The following is an entry in ClinVar:

NM_000222.3(KIT):c.2188T>C (p.Tyr730His)

Gene: KIT (KIT proto-oncogene, receptor tyrosine kinase; plus strand). Cytogenetic location: 4q12.
Variant type: single nucleotide variant.
Coding change: c.2188T>C on transcript NM_000222.3 (MANE Select); coding-DNA position 2188, T replaced by C.
Protein change: p.Tyr730His; replaces tyrosine 730 with histidine.
Molecular consequence: missense variant.
Genome position (GRCh38, 1-based): chr4:54,731,374, T>C. VCF-style: chr4-54731374-T-C. GRCh37 (hg19) VCF-style: chr4-55597540-T-C.
Other names: c.2176T>C, p.Tyr726His (NM_001093772.2, NM_001385292.1); c.2191T>C, p.Tyr731His (NM_001385284.1); c.2185T>C, p.Tyr729His (NM_001385285.1); c.2173T>C, p.Tyr725His (NM_001385286.1); c.2179T>C, p.Tyr727His (NM_001385288.1); c.2188T>C, p.Tyr730His (NM_001385290.1); short protein forms Y731H, Y726H, Y727H, Y725H, Y729H, Y730H.
Identifiers: ClinVar variation 4093164 (VCV004093164.1).

ClinVar aggregate classification (germline): Uncertain significance (1 of 4 stars; one submission).

Conditions:
Hereditary cancer-predisposing syndrome. Also called: Tumor predisposition; Neoplastic Syndromes, Hereditary; Hereditary neoplastic syndrome; Hereditary Cancer Syndrome. Identifiers: Orphanet 140162, MedGen C0027672, MeSH D009386, MONDO:0015356.

Submission:

Ambry Genetics
Classification: Uncertain significance for Hereditary cancer-predisposing syndrome. Last evaluated: 2025-08-02. Review status: criteria provided, single submitter. Criteria: Ambry Variant Classification Scheme 2023. Collection method: clinical testing. Allele origin: germline.
Comment: The p.Y730H variant (also known as c.2188T>C), located in coding exon 15 of the KIT gene, results from a T to C substitution at nucleotide position 2188. The tyrosine at codon 730 is replaced by histidine, an amino acid with similar properties. This amino acid position is conserved. In addition, the in silico prediction for this alteration is inconclusive. Based on the available evidence, the clinical significance of this variant remains unclear.